The following is an entry in ClinVar:

NM_014762.4(DHCR24):c.1504G>A (p.Ala502Thr)

Gene: DHCR24 (24-dehydrocholesterol reductase; minus strand). Cytogenetic location: 1p32.3.
Variant type: single nucleotide variant.
Coding change: c.1504G>A on transcript NM_014762.4 (MANE Select); coding-DNA position 1504, G replaced by A.
Protein change: p.Ala502Thr; replaces alanine 502 with threonine.
Molecular consequence: missense variant.
Genome position (GRCh38, 1-based): chr1:54,852,280, C>T on the plus strand (G>A on the coding strand, the complement: DHCR24 is on the minus strand). VCF-style: chr1-54852280-C-T. GRCh37 (hg19) VCF-style: chr1-55317953-C-T.
Other names: short protein forms A502T.
Identifiers: ClinVar variation 807405 (VCV000807405.5), dbSNP rs915474087, ClinGen allele CA22780663.
Genomic context (GRCh38, chr1:54,852,280, plus strand): 5'-GGCGGGCTCCAGCTCAGTGCCTGGCGGCCTTGCAGATCTTGTCGTACACCTCGGGGAAGG[C>T]GTCCTGGCAACCCAGCTTCTCTCGCAGCTTGTGGTACAAGGAGCCATCAAACATCTCCCA-3'
Protein context (NP_055577.1, residues 492-512): KLREKLGCQD[Ala502Thr]FPEVYDKICK

ClinVar aggregate classification (germline): Conflicting classifications of pathogenicity. Review status: criteria provided, conflicting classifications (1 of 4 stars). 2 submissions from 2 submitters: Likely pathogenic (1); Uncertain significance (1). Last evaluated 2025-04-24.

Conditions:
Desmosterolosis. Identifiers: Orphanet 35107, MedGen C1865596, MONDO:0011217, OMIM 602398.

Allele frequency attached by ClinVar (database versions not stated): gnomAD exomes below 0.00001; TOPMed 0.00001; gnomAD 0.00001.
gnomAD v4.1: 2 of 1,614,084 alleles (0.00012%); highest among the groups gnomAD compares: African/African-American, 0.0013%; no homozygotes.

Submissions (2):

Women's Health and Genetics/Laboratory Corporation of America, LabCorp
Classification: Uncertain significance. Last evaluated: 2025-04-24. Review status: criteria provided, single submitter. Criteria: LabCorp Variant Classification Summary - May 2015. Collection method: clinical testing. Allele origin: germline.
Comment: Variant summary: DHCR24 c.1504G>A (p.Ala502Thr) results in a non-conservative amino acid change in the encoded protein sequence. Three of five in-silico tools predict a damaging effect of the variant on protein function. The variant allele was found at a frequency of 4e-06 in 251368 control chromosomes. The available data on variant occurrences in the general population are insufficient to allow any conclusion about variant significance. c.1504G>A has been observed in the compound heterozygous state following trio whole exome sequencing in an individual affected with dystonia, global developmental delay, alternating exotropia, poor speech, spasticity, and cerbral palsy, some of which are clinical features consistent with Desmosterolosis (e.g. Zech_2020, Brunet_2021, Dzinovic_2022). These data do not allow any conclusion about variant significance. To our knowledge, no experimental evidence demonstrating an impact on protein function has been reported. The following publications have been ascertained in the context of this evaluation (PMID: 33619735, 35872528, 33098801). ClinVar contains an entry for this variant (Variation ID: 807405). Based on the evidence outlined above, the variant was classified as uncertain significance.

Institute of Human Genetics Munich, TUM University Hospital
Classification: Likely pathogenic for Desmosterolosis. Last evaluated: 2018-09-13. Review status: criteria provided, single submitter. Criteria: Classification criteria August 2017. Collection method: clinical testing. Allele origin: paternal. Inheritance: Autosomal recessive inheritance. Affected: yes. Observed: 1 compound heterozygote.

Literature cited by the submitters: PubMed 33098801 (cited by Women's Health and Genetics/Laboratory Corporation of America, LabCorp); PubMed 33619735 (cited by Women's Health and Genetics/Laboratory Corporation of America, LabCorp); PubMed 35872528 (cited by Women's Health and Genetics/Laboratory Corporation of America, LabCorp).